The following is an entry in ClinVar:

ClinVar aggregate classification (germline): Uncertain significance (1 of 4 stars; one submission).

Conditions:
Cardiovascular phenotype. Identifiers: MedGen CN230736.

Submission:

Ambry Genetics
Classification: Uncertain significance for Cardiovascular phenotype. Last evaluated: 2026-02-24. Review status: criteria provided, single submitter. Criteria: Ambry Variant Classification Scheme 2023. Collection method: clinical testing. Allele origin: germline.
Comment: The p.R126G variant (also known as c.376A>G), located in coding exon 3 of the DSP gene, results from an A to G substitution at nucleotide position 376. The arginine at codon 126 is replaced by glycine, an amino acid with dissimilar properties. This amino acid position is conserved. In addition, the in silico prediction for this alteration is inconclusive. Based on the available evidence, the clinical significance of this variant remains unclear.

NM_004415.4(DSP):c.376A>G (p.Arg126Gly)

Gene: DSP (desmoplakin; plus strand). Cytogenetic location: 6p24.3.
Variant type: single nucleotide variant.
Coding change: c.376A>G on transcript NM_004415.4 (MANE Select); coding-DNA position 376, A replaced by G.
Protein change: p.Arg126Gly; replaces arginine 126 with glycine.
Molecular consequence: missense variant.
Genome position (GRCh38, 1-based): chr6:7,558,218, A>G. VCF-style: chr6-7558218-A-G. GRCh37 (hg19) VCF-style: chr6-7558451-A-G.
Other names: c.376A>G, p.Arg126Gly (NM_001008844.3, NM_001319034.2, NM_001406591.1); short protein forms R126G.
Identifiers: ClinVar variation 4827471 (VCV004827471.1).